The following is an entry in ClinVar:

NM_001378778.1(MPDZ):c.1293A>G (p.Val431=)

Gene: MPDZ (multiple PDZ domain crumbs cell polarity complex component; minus strand). Cytogenetic location: 9p23.
Variant type: single nucleotide variant.
Coding change: c.1293A>G on transcript NM_001378778.1 (MANE Select); coding-DNA position 1293, A replaced by G.
Protein change: p.Val431=; no amino-acid change (valine 431 retained).
Molecular consequence: synonymous variant.
Genome position (GRCh38, 1-based): chr9:13,206,097, T>C on the plus strand (A>G on the coding strand, the complement: MPDZ is on the minus strand). VCF-style: chr9-13206097-T-C. GRCh37 (hg19) VCF-style: chr9-13206096-T-C.
Other names: c.1293A>G, p.Val431= (NM_001261406.2, NM_001261407.2, NM_001330637.2 and 14 more transcripts).
Identifiers: ClinVar variation 2155906 (VCV002155906.28), dbSNP rs759505437, ClinGen allele CA4987812.

ClinVar aggregate classification (germline): Likely benign. Review status: criteria provided, multiple submitters, no conflicts (2 of 4 stars). 2 submissions from 2 submitters: Likely benign (2). Last evaluated 2025-12-06.

Allele frequency attached by ClinVar (database versions not stated): TOPMed 0.00005; gnomAD exomes 0.00007; gnomAD 0.00010; ExAC 0.00014.
gnomAD v4.1: 109 of 1,567,086 alleles (0.007%); highest among the groups gnomAD compares: South Asian, 0.031%; no homozygotes.

Submissions (2):

Labcorp Genetics (formerly Invitae), Labcorp
Classification: Likely benign. Last evaluated: 2025-12-06. Review status: criteria provided, single submitter. Criteria: Invitae Variant Classification Sherloc (09022015). Collection method: clinical testing. Allele origin: germline.

CeGaT Center for Human Genetics Tuebingen
Classification: Likely benign. Last evaluated: 2022-06-01. Review status: criteria provided, single submitter. Criteria: CeGaT Center For Human Genetics Tuebingen Variant Classification Criteria Version 2. Collection method: clinical testing. Allele origin: germline. Affected: yes. Observed: 1 variant allele.
Comment: MPDZ: BP4, BP7